The following is an entry in ClinVar:

ClinVar aggregate classification (germline): Uncertain significance. Review status: criteria provided, multiple submitters, no conflicts (2 of 4 stars). 2 submissions from 2 submitters: Uncertain significance (2). Last evaluated 2024-07-01.

Conditions:
Autosomal recessive nonsyndromic hearing loss 9. Also called: NEUROSENSORY NONSYNDROMIC RECESSIVE DEAFNESS 9; Deafness, autosomal recessive 9; AUDITORY NEUROPATHY, AUTOSOMAL RECESSIVE, 1, TEMPERATURE-SENSITIVE; OTOF-Related Hearing Loss. Identifiers: Orphanet 90636, MedGen C1832828, MONDO:0010986, OMIM 601071.

Allele frequency attached by ClinVar (database versions not stated): ExAC 0.00001; gnomAD 0.00001; gnomAD exomes 0.00001; TOPMed 0.00001; 1000 Genomes Project 30x 0.00016; 1000 Genomes Project 0.00020.
gnomAD v4.1: 27 of 1,613,930 alleles (0.0017%); highest among the groups gnomAD compares: East Asian, 0.0067%; no homozygotes.

Submissions (2):

CeGaT Center for Human Genetics Tuebingen
Classification: Uncertain significance. Last evaluated: 2024-07-01. Review status: criteria provided, single submitter. Criteria: CeGaT Center For Human Genetics Tuebingen Variant Classification Criteria Version 2. Collection method: clinical testing. Allele origin: germline. Affected: yes. Observed: 1 variant allele.
Comment: OTOF: PM2

Illumina Laboratory Services, Illumina
Classification: Uncertain significance for Autosomal recessive nonsyndromic hearing loss 9. Last evaluated: 2018-01-13. Review status: criteria provided, single submitter. Criteria: ICSL Variant Classification Criteria 13 December 2019. Collection method: clinical testing. Allele origin: germline.

NM_194248.3(OTOF):c.1100C>T (p.Ser367Leu)

Gene: OTOF (otoferlin; minus strand). Cytogenetic location: 2p23.3.
Variant type: single nucleotide variant.
Coding change: c.1100C>T on transcript NM_194248.3 (MANE Select); coding-DNA position 1100, C replaced by T.
Protein change: p.Ser367Leu; replaces serine 367 with leucine.
Molecular consequence: missense variant.
Genome position (GRCh38, 1-based): chr2:26,484,579, G>A on the plus strand (C>T on the coding strand, the complement: OTOF is on the minus strand). VCF-style: chr2-26484579-G-A. GRCh37 (hg19) VCF-style: chr2-26707447-G-A.
Other names: c.1100C>T, p.Ser367Leu (NM_001287489.2); short protein forms S367L.
Identifiers: ClinVar variation 896594 (VCV000896594.21), dbSNP rs200985159, ClinGen allele CA1564379.
Genomic context (GRCh38, chr2:26,484,579, plus strand): 5'-TTGATGTTGTCCCCTTTGCCCACCACGGCAACGTCACACTTCACGTAGCCCTTCAGCCCC[G>A]AGGAGATGTCATCGGGGTCAGACAGGATGGCCCACTTGTGATGGAACTGGTGCTCTGCAA-3'
Protein context (NP_919224.1, residues 357-377): AILSDPDDIS[Ser367Leu]GLKGYVKCDV